The following is an entry in ClinVar:

ClinVar aggregate classification (germline): Uncertain significance. Review status: criteria provided, multiple submitters, no conflicts (2 of 4 stars). 2 submissions from 2 submitters: Uncertain significance (2). Last evaluated 2025-08-18.

Conditions:
Fanconi anemia complementation group P. Also called: SLX4-Related Fanconi Anemia. Identifiers: Orphanet 84, MedGen C3469542, MONDO:0013499, OMIM 613951.
Fanconi anemia (FA). Also called: Fanconi's anemia. Identifiers: Orphanet 84, MedGen C0015625, MeSH D005199, MONDO:0019391.

Allele frequency attached by ClinVar (database versions not stated): gnomAD exomes below 0.00001; gnomAD 0.00001; TOPMed 0.00002.
gnomAD v4.1: 4 of 1,613,844 alleles (0.00025%); highest among the groups gnomAD compares: Admixed American, 0.0017%; no homozygotes.

Submissions (2):

Labcorp Genetics (formerly Invitae), Labcorp
Classification: Uncertain significance for Fanconi anemia. Last evaluated: 2025-08-18. Review status: criteria provided, single submitter. Criteria: Invitae Variant Classification Sherloc (09022015). Collection method: clinical testing. Allele origin: germline.
Comment: This sequence change replaces serine, which is neutral and polar, with alanine, which is neutral and non-polar, at codon 1608 of the SLX4 protein (p.Ser1608Ala). This variant is present in population databases (no rsID available, gnomAD 0.007%). This variant has not been reported in the literature in individuals affected with SLX4-related conditions. ClinVar contains an entry for this variant (Variation ID: 935208). An algorithm developed to predict the effect of missense changes on protein structure and function (PolyPhen-2) suggests that this variant is likely to be disruptive. In summary, the available evidence is currently insufficient to determine the role of this variant in disease. Therefore, it has been classified as a Variant of Uncertain Significance.

Fulgent Genetics
Classification: Uncertain significance for Fanconi anemia complementation group P. Last evaluated: 2024-03-25. Review status: criteria provided, single submitter. Criteria: ACMG Guidelines, 2015. Collection method: clinical testing. Allele origin: germline.

NM_032444.4(SLX4):c.4822T>G (p.Ser1608Ala)

Gene: SLX4 (SLX4 structure-specific endonuclease subunit; minus strand). Cytogenetic location: 16p13.3.
Variant type: single nucleotide variant.
Coding change: c.4822T>G on transcript NM_032444.4 (MANE Select); coding-DNA position 4822, T replaced by G.
Protein change: p.Ser1608Ala; replaces serine 1608 with alanine.
Molecular consequence: missense variant.
Genome position (GRCh38, 1-based): chr16:3,583,428, A>C on the plus strand (T>G on the coding strand, the complement: SLX4 is on the minus strand). VCF-style: chr16-3583428-A-C. GRCh37 (hg19) VCF-style: chr16-3633429-A-C.
Other names: short protein forms S1608A.
Identifiers: ClinVar variation 935208 (VCV000935208.11), dbSNP rs1480904013, ClinGen allele CA394515302.
Genomic context (GRCh38, chr16:3,583,428, plus strand): 5'-TCTGGCAGTGAGGCGCCTGCAACAGCGGCTGTGAGGACTGGCTCTCGTCCTCGGAGTCTG[A>C]GTCCAGGGTCTGGTGAGTGTACTGGAATATCTCCTTCAGCTTCAGAACCATCTGGCGTTT-3'
Protein context (NP_115820.2, residues 1598-1618): IFQYTHQTLD[Ser1608Ala]DSEDESQSSQ